The following is an entry in ClinVar:

NM_181523.3(PIK3R1):c.1380_1397del (p.Ser460_Leu466delinsArg)

Gene: PIK3R1 (phosphoinositide-3-kinase regulatory subunit 1; plus strand). Cytogenetic location: 5q13.1.
Variant type: Deletion.
Coding change: c.1380_1397del on transcript NM_181523.3 (MANE Select); coding-DNA positions 1380 to 1397, 18 bases deleted (TCGAGAATATGATAGATT).
Protein change: p.Ser460_Leu466delinsArg.
Molecular consequence: inframe indel.
Genome position (GRCh38, 1-based): chr5:68,293,789-68,293,806, TCGAGAATATGATAGATT deleted. VCF-style (leftmost placement, unchanged base first): chr5-68293788-GTCGAGAATATGATAGATT-G. GRCh37 (hg19) VCF-style: chr5-67589616-GTCGAGAATATGATAGATT-G.
Other names: c.291_308del, p.Ser97_Leu103delinsArg (NM_001242466.2); c.570_587del, p.Ser190_Leu196delinsArg (NM_181504.4); c.480_497del, p.Ser160_Leu166delinsArg (NM_181524.2).
Identifiers: ClinVar variation 3235009 (VCV003235009.1), dbSNP rs2531002229, ClinGen allele CA2825001419.
Genomic context (GRCh38, chr5:68,293,788, plus strand): 5'-ATAATATTGAAGCTGTAGGGAAAAAATTACATGAATATAACACTCAGTTTCAAGAAAAAA[GTCGAGAATATGATAGATT>G]ATATGAAGAATATACCCGCACATCCCAGGTGAGTTTTCTATGAAAATCAGATTAAAAAAT-3'

ClinVar aggregate classification (germline): Uncertain significance (1 of 4 stars; one submission).

Conditions:
Immunodeficiency 36 with lymphoproliferation. Also called: Immunodeficiency 36; Activated PI3K Delta Syndrome Type 2 (APDS2); ACTIVATED PI3K-DELTA SYNDROME 2. Identifiers: Orphanet 397596, Orphanet 693681, MedGen C4014934, MONDO:0014453, OMIM 616005.

Submission:

Neuberg Centre For Genomic Medicine, NCGM
Classification: Uncertain significance for Immunodeficiency 36 with lymphoproliferation. Review status: criteria provided, single submitter. Criteria: ACMG Guidelines, 2015. Collection method: clinical testing. Allele origin: germline. Inheritance: Autosomal dominant inheritance. Affected: yes.
Comment: The inframe deletion c.1380_1397del p.Ser460_Leu466delinsArg variant in the PIK3R1 gene has not been reported previously as a pathogenic variant nor as a benign variant, to our knowledge. The variant is novel not in any individuals in gnomAD Exomes and 1000 Genomes. This p.Ser460_Leu466delinsArg causes deletion of amino acid Serine at position 460 to Leucine at position 466. For these reasons, this variant has been classified as Uncertain significance.